The following is an entry in ClinVar:

NM_001329943.3(KIAA0586):c.2287C>T (p.Pro763Ser)

Gene: KIAA0586 (KIAA0586; plus strand). Cytogenetic location: 14q23.1.
Variant type: single nucleotide variant.
Coding change: c.2287C>T on transcript NM_001329943.3 (MANE Select); coding-DNA position 2287, C replaced by T.
Protein change: p.Pro763Ser; replaces proline 763 with serine.
Molecular consequence: missense variant.
Genome position (GRCh38, 1-based): chr14:58,467,767, C>T. VCF-style: chr14-58467767-C-T. GRCh37 (hg19) VCF-style: chr14-58934485-C-T.
Other names: c.2446C>T, p.Pro816Ser (NM_001244189.2); c.2242C>T, p.Pro748Ser (NM_001244190.2); c.2032C>T, p.Pro678Ser (NM_001244191.2, NM_001329945.2, NM_001364700.1 and 1 more transcripts); c.2155C>T, p.Pro719Ser (NM_001244192.2); c.1867C>T, p.Pro623Ser (NM_001244193.2); c.2287C>T, p.Pro763Ser (NM_001329944.2, NM_001329946.2, NM_001329947.2); c.2059C>T, p.Pro687Ser (NM_014749.5); c.2059C>T (NM_014749.3); short protein forms P687S, P748S, P623S, P719S, P816S, P678S, P763S.
Identifiers: ClinVar variation 1494834 (VCV001494834.8), dbSNP rs776790149, ClinGen allele CA7205836.

ClinVar aggregate classification (germline): Conflicting classifications of pathogenicity. Review status: criteria provided, conflicting classifications (1 of 4 stars). 3 submissions from 3 submitters: Uncertain significance (1); Likely benign (2). Last evaluated 2025-03-01.

Conditions:
Inborn genetic diseases. Identifiers: MedGen C0950123, MeSH D030342.
Joubert syndrome 23 (JBTS23). Identifiers: Orphanet 475, MedGen C4084822, MONDO:0014664, OMIM 616490.
Short-rib thoracic dysplasia 14 with polydactyly (SRTD14). Identifiers: Orphanet 397715, MedGen C4225286, MONDO:0014688, OMIM 616546.

Allele frequency attached by ClinVar (database versions not stated): gnomAD exomes 0.00001 and 0.00013; TOPMed 0.00006; ExAC 0.00015.
gnomAD v4.1: 21 of 1,612,598 alleles (0.0013%); highest among the groups gnomAD compares: East Asian, 0.047%; no homozygotes.

Submissions (3):

Ambry Genetics
Classification: Likely benign for Inborn genetic diseases. Last evaluated: 2025-03-01. Review status: criteria provided, single submitter. Criteria: Ambry Variant Classification Scheme 2023. Collection method: clinical testing. Allele origin: germline.

Blueprint Genetics
Classification: Likely benign. Last evaluated: 2024-10-04. Review status: criteria provided, single submitter. Criteria: ACMG Guidelines, 2015. Collection method: clinical testing. Allele origin: germline.

Labcorp Genetics (formerly Invitae), Labcorp
Classification: Uncertain significance for Joubert syndrome 23; Short-rib thoracic dysplasia 14 with polydactyly. Last evaluated: 2023-12-11. Review status: criteria provided, single submitter. Criteria: Invitae Variant Classification Sherloc (09022015). Collection method: clinical testing. Allele origin: germline.
Comment: This sequence change replaces proline, which is neutral and non-polar, with serine, which is neutral and polar, at codon 816 of the KIAA0586 protein (p.Pro816Ser). This variant is present in population databases (rs776790149, gnomAD 0.2%). This variant has not been reported in the literature in individuals affected with KIAA0586-related conditions. ClinVar contains an entry for this variant (Variation ID: 1494834). Advanced modeling of protein sequence and biophysical properties (such as structural, functional, and spatial information, amino acid conservation, physicochemical variation, residue mobility, and thermodynamic stability) performed at Invitae indicates that this missense variant is expected to disrupt KIAA0586 protein function with a positive predictive value of 80%. In summary, the available evidence is currently insufficient to determine the role of this variant in disease. Therefore, it has been classified as a Variant of Uncertain Significance.